The following is an entry in ClinVar:

NM_181507.2(HPS5):c.393G>A (p.Trp131Ter)

Gene: HPS5 (HPS5 biogenesis of lysosomal organelles complex 2 subunit 2; minus strand). Cytogenetic location: 11p15.1.
Variant type: single nucleotide variant.
Coding change: c.393G>A on transcript NM_181507.2 (MANE Select); coding-DNA position 393, G replaced by A.
Protein change: p.Trp131Ter; replaces tryptophan 131 with a stop codon.
Molecular consequence: nonsense.
Genome position (GRCh38, 1-based): chr11:18,310,825, C>T on the plus strand (G>A on the coding strand, the complement: HPS5 is on the minus strand). VCF-style: chr11-18310825-C-T. GRCh37 (hg19) VCF-style: chr11-18332372-C-T.
Other names: c.393G>A, p.Trp131Ter (NM_001440902.1, NM_001440903.1, NM_001440904.1 and 6 more transcripts); c.318G>A, p.Trp106Ter (NM_001440907.1, NM_001440908.1, NM_001440909.1); c.282G>A, p.Trp94Ter (NM_001440913.1, NM_001440914.1, NM_001440915.1); c.207G>A, p.Trp69Ter (NM_001440918.1); c.51G>A, p.Trp17Ter (NM_001440920.1, NM_001440921.1, NM_001440922.1 and 10 more transcripts); short protein forms W17*, W69*, W94*, W106*, W131*.
Identifiers: ClinVar variation 4736044 (VCV004736044.1).

ClinVar aggregate classification (germline): Pathogenic (1 of 4 stars; one submission).

Submission:

Labcorp Genetics (formerly Invitae), Labcorp
Classification: Pathogenic. Last evaluated: 2026-01-24. Review status: criteria provided, single submitter. Criteria: Invitae Variant Classification Sherloc (09022015). Collection method: clinical testing. Allele origin: germline.
Comment: This sequence change creates a premature translational stop signal (p.Trp131*) in the HPS5 gene. It is expected to result in an absent or disrupted protein product. Loss-of-function variants in HPS5 are known to be pathogenic (PMID: 12548288, 15296495, 21833017, 26785811). This variant is present in population databases (rs764821596, gnomAD 0.0009%). This variant has not been reported in the literature in individuals affected with HPS5-related conditions. Algorithms developed to predict the effect of sequence changes on RNA splicing suggest that this variant may disrupt the consensus splice site. For these reasons, this variant has been classified as Pathogenic.

Literature cited by the submitters: PubMed 12548288; PubMed 15296495; PubMed 21833017; PubMed 26785811.